The following is an entry in ClinVar:

NM_001009944.3(PKD1):c.8284_8295dup (p.Ile2762_Arg2765dup)

Gene: PKD1 (polycystin 1, transient receptor potential channel interacting; minus strand). Cytogenetic location: 16p13.3.
Variant type: Duplication.
Coding change: c.8284_8295dup on transcript NM_001009944.3 (MANE Select); coding-DNA positions 8284 to 8295, 12 bases duplicated (ATCCTCATGCGC).
Protein change: p.Ile2762_Arg2765dup.
Molecular consequence: inframe insertion.
Genome position (GRCh38, 1-based): chr16:2,103,762-2,103,773, GCGCATGAGGAT duplicated on the plus strand (ATCCTCATGCGC on the coding strand, the reverse complement: PKD1 is on the minus strand); duplicating any 12 consecutive bases within chr16:2,103,762-2,103,783 gives the same sequence; the c. name uses the placement nearest the transcript's 3' end. VCF-style (leftmost placement, unchanged base first): chr16-2103761-A-AGCGCATGAGGAT. GRCh37 (hg19) VCF-style: chr16-2153762-A-AGCGCATGAGGAT.
Other names: c.8284_8295dup (NM_001009944.2); c.8284_8295dup, p.Ile2762_Arg2765dup (NM_000296.4); c.8284_8295dup12 (NM_001009944.2).
Identifiers: ClinVar variation 1526113 (VCV001526113.11), dbSNP rs1596527370, ClinGen allele CA2573151965.

ClinVar aggregate classification (germline): Conflicting classifications of pathogenicity. Review status: criteria provided, conflicting classifications (1 of 4 stars). 7 submissions from 7 submitters: Pathogenic (1); Likely pathogenic (2); Uncertain significance (3). 1 of the submissions does not count toward it. Last evaluated 2026-07-22.

Conditions:
PKD1-related disorder. Also called: PKD1-related condition.
Polycystic kidney disease, adult type (PKD1). Also called: Polycystic Kidney Disease 1, Autosomal Dominant; Polycystic kidney disease 1; Polycystic kidney disease 1, severe; POLYCYSTIC KIDNEY DISEASE, ADULT, TYPE I; Polycystic Kidney, Autosomal Dominant; POLYCYSTIC KIDNEY DISEASE 1 WITH OR WITHOUT POLYCYSTIC LIVER DISEASE. Identifiers: MedGen C3149841, MONDO:0008263, OMIM 173900.

Submissions (7):

PreventionGenetics, part of Exact Sciences
Classification: Likely pathogenic for PKD1-related condition. Last evaluated: 2026-07-22. Review status: criteria provided, single submitter. Criteria: ACMG Guidelines, 2015. Collection method: clinical testing. Allele origin: germline.
Comment: The PKD1 c.8284_8295dup12 variant is predicted to result in an in-frame duplication (p.Ile2762_Arg2765dup). This variant has reported reported in multiple individuals with Polycystic kidney disease (8507dup12, +2762–2765, Rossetti et al. 2001. PubMed ID: 11115377; Table S3, Kurashige et al. 2014. PubMed ID: 24611717; c.8295_8296insATCCTCATGCGC, Wang et al. 2019. PubMed ID: 31056860; Supplementary Table S1, Fujimaru et al. 2024. PubMed ID: 39291187). Of note, in-frame small deletions and duplications in the PKD1 gene have been commonly found to be pathogenic for ADPKD. This variant has not been reported in a large population database (gnomAD), indicating this variant is rare. This variant is interpreted as likely pathogenic.

Victorian Clinical Genetics Services, Murdoch Childrens Research Institute
Classification: Pathogenic for Polycystic kidney disease, adult type. Last evaluated: 2026-05-13. Review status: criteria provided, single submitter. Criteria: ACMG Guidelines, 2015. Collection method: clinical testing. Allele origin: germline. Affected: yes.
Comment: This variant is classified as Pathogenic. Evidence in support of pathogenic classification: In-frame insertion/deletion in a non-repetitive region that has high conservation; Variant is absent from gnomAD (v2, v3 and v4); This variant has strong previous evidence of pathogenicity in unrelated individuals. This variant has varying classifications from VUS to pathogenic by clinical laboratories in ClinVar. It has also been reported in four unrelated families with polycystic kidney disease (PMID: 11115377, 24611717, 31056860). Additional information: This variant is heterozygous; This gene is associated with autosomal dominant disease. Polycystic kidney disease 1 (MIM#173900) is predominantly caused by monoallelic variants, with rare reports of biallelic variants causing disease (OMIM); No comparable inframe duplication variants have previous evidence for pathogenicity; Variant is not located in an established domain, motif, hotspot or informative constraint region; Loss of function is a known mechanism of disease in this gene and is associated with polycystic kidney disease 1 (MIM#173900); Inheritance information for this variant is not currently available in this individual.

GeneDx
Classification: Uncertain significance. Last evaluated: 2025-08-09. Review status: criteria provided, single submitter. Criteria: GeneDx Variant Classification Process June 2021. Collection method: clinical testing. Allele origin: germline. Affected: yes.
Comment: In-frame duplication of 4 amino acids in a non-repeat region; Not observed at significant frequency in large population cohorts (gnomAD); This variant is associated with the following publications: (PMID: 24611717, 11115377, 31056860)

Fulgent Genetics
Classification: Uncertain significance for Polycystic kidney disease, adult type. Last evaluated: 2022-04-06. Review status: criteria provided, single submitter. Criteria: ACMG Guidelines, 2015. Collection method: clinical testing. Allele origin: unknown.

3billion
Classification: Uncertain significance for Polycystic kidney disease, adult type. Last evaluated: 2022-03-22. Review status: criteria provided, single submitter. Criteria: ACMG Guidelines, 2015. Collection method: clinical testing. Allele origin: germline. Affected: yes. Observed: 1 heterozygote.
Comment: Inframe insertion located in a nonrepeat region: predicted to change the length of the protein and disrupt normal protein function. The variant has been reported to be associated with PKD1 related disorder (PMID:11115377). It is not observed in the gnomAD v2.1.1 dataset. Therefore, this variant is classified as uncertain significance according to the recommendation of ACMG/AMP guideline.

Juno Genomics, Hangzhou Juno Genomics, Inc
Classification: Likely pathogenic for Polycystic kidney disease, adult type. Review status: criteria provided, single submitter. Criteria: ACMG Guidelines, 2015. Collection method: clinical testing. Allele origin: germline. Affected: yes.
Comment: Absent from controls (or at extremely low frequency if recessive) in Genome Aggregation Database, Exome Sequencing Project, 1000 Genomes Project, or Exome Aggregation Consortium.;Protein length changes due to in-frame deletions/insertions in a non-repeat region or stop-loss variants.;The prevalence of the variant in affected individuals is significantly increased compared to the prevalence in controls.;Patient's phenotype or family history is highly specific for a disease with a single genetic etiology.;Assumed de novo, but without confirmation of paternity and maternity.

Genetic Services Laboratory, University of Chicago
Classification: Likely pathogenic. Last evaluated: 2022-10-14. Review status: no assertion criteria provided. Collection method: clinical testing. Allele origin: germline. Affected: yes. Not counted in ClinVar's aggregate classification.
Comment: DNA sequence analysis of the PKD1 gene demonstrated a twelve base pair duplication in exon 23, c.8284_8295dup. This in-frame duplication is predicted to result in the duplication of four amino acid residues, p.Ile2762_Arg2765dup in the REJ-like egg jelly receptor domain. This duplication has been previously described in individuals with polycystic kidney disease (PMID: 11115377). The c.8284_8295dup sequence change has not been described in population databases such as ExAC and gnomAD. Based on these collective evidences, this sequence change is classified as likely pathogenic, however functional studies have not been performed to prove this conclusively.

Literature cited by the submitters: PubMed 11115377 (cited by Victorian Clinical Genetics Services, Murdoch Childrens Research Institute and 3billion); PubMed 31056860 (cited by Victorian Clinical Genetics Services, Murdoch Childrens Research Institute); PubMed 24611717 (cited by Victorian Clinical Genetics Services, Murdoch Childrens Research Institute).